The following is an entry in ClinVar:

ClinVar aggregate classification (germline): Uncertain significance. Review status: criteria provided, multiple submitters, no conflicts (2 of 4 stars). 2 submissions from 2 submitters: Uncertain significance (2). Last evaluated 2025-01-27.

Conditions:
Hereditary cancer-predisposing syndrome. Also called: Neoplastic Syndromes, Hereditary; Tumor predisposition; Hereditary neoplastic syndrome; Hereditary Cancer Syndrome. Identifiers: Orphanet 140162, MedGen C0027672, MeSH D009386, MONDO:0015356.
Familial adenomatous polyposis 1 (FAP1). Also called: FAMILIAL ADENOMATOUS POLYPOSIS 1, ATTENUATED; POLYPOSIS, ADENOMATOUS INTESTINAL. Identifiers: MedGen C2713442, MONDO:0021056, OMIM 175100. Disease mechanism: loss of function.

gnomAD v4.1: 1 of 1,614,110 alleles (0.000062%); highest among the groups gnomAD compares: South Asian, 0.0011%; no homozygotes.

Submissions (2):

Ambry Genetics
Classification: Uncertain significance for Hereditary cancer-predisposing syndrome. Last evaluated: 2025-01-27. Review status: criteria provided, single submitter. Criteria: Ambry Variant Classification Scheme 2023. Collection method: clinical testing. Allele origin: germline.
Comment: The p.N1650I variant (also known as c.4949A>T), located in coding exon 15 of the APC gene, results from an A to T substitution at nucleotide position 4949. The asparagine at codon 1650 is replaced by isoleucine, an amino acid with dissimilar properties. This amino acid position is conserved. In addition, in silico predictors for this gene do not accurately predict pathogenicity. Based on the available evidence, the clinical significance of this variant remains unclear.

Labcorp Genetics (formerly Invitae), Labcorp
Classification: Uncertain significance for Familial adenomatous polyposis 1. Last evaluated: 2023-11-21. Review status: criteria provided, single submitter. Criteria: Invitae Variant Classification Sherloc (09022015). Collection method: clinical testing. Allele origin: germline.
Comment: This sequence change replaces asparagine, which is neutral and polar, with isoleucine, which is neutral and non-polar, at codon 1650 of the APC protein (p.Asn1650Ile). This variant is not present in population databases (gnomAD no frequency). This variant has not been reported in the literature in individuals affected with APC-related conditions. Advanced modeling of protein sequence and biophysical properties (such as structural, functional, and spatial information, amino acid conservation, physicochemical variation, residue mobility, and thermodynamic stability) performed at Invitae indicates that this missense variant is not expected to disrupt APC protein function with a negative predictive value of 95%. In summary, the available evidence is currently insufficient to determine the role of this variant in disease. Therefore, it has been classified as a Variant of Uncertain Significance.

NM_000038.6(APC):c.4949A>T (p.Asn1650Ile)

Gene: APC (APC regulator of Wnt signaling pathway; plus strand). Cytogenetic location: 5q22.2.
Variant type: single nucleotide variant.
Coding change: c.4949A>T on transcript NM_000038.6 (MANE Select); coding-DNA position 4949, A replaced by T.
Protein change: p.Asn1650Ile; replaces asparagine 1650 with isoleucine.
Molecular consequence: missense variant. On other transcripts: non-coding transcript variant (2).
Genome position (GRCh38, 1-based): chr5:112,840,543, A>T. VCF-style: chr5-112840543-A-T. GRCh37 (hg19) VCF-style: chr5-112176240-A-T.
Other names: c.4949A>T, p.Asn1650Ile (NM_001127510.3, NM_001354895.2, NM_001407450.1); c.4895A>T, p.Asn1632Ile (NM_001127511.3); c.5003A>T, p.Asn1668Ile (NM_001354896.2, NM_001407447.1, NM_001407448.1 and 1 more transcripts); c.4979A>T, p.Asn1660Ile (NM_001354897.2); c.4874A>T, p.Asn1625Ile (NM_001354898.2); c.4865A>T, p.Asn1622Ile (NM_001354899.2); c.4826A>T, p.Asn1609Ile (NM_001354900.2); c.4772A>T, p.Asn1591Ile (NM_001354901.2, NM_001407453.1); and 12 more; short protein forms N1367I, N1521I, N1622I, N1625I, N1668I, N1678I, N1490I, N1643I.
Identifiers: ClinVar variation 2697850 (VCV002697850.4), dbSNP rs773672742, ClinGen allele CA16032168.